The following is an entry in ClinVar:

NM_001164508.2(NEB):c.4432A>G (p.Thr1478Ala)

Gene: NEB (nebulin; minus strand). Cytogenetic location: 2q23.3.
Variant type: single nucleotide variant.
Coding change: c.4432A>G on transcript NM_001164508.2 (MANE Select); coding-DNA position 4432, A replaced by G.
Protein change: p.Thr1478Ala; replaces threonine 1478 with alanine.
Molecular consequence: missense variant.
Genome position (GRCh38, 1-based): chr2:151,671,097, T>C on the plus strand (A>G on the coding strand, the complement: NEB is on the minus strand). VCF-style: chr2-151671097-T-C. GRCh37 (hg19) VCF-style: chr2-152527611-T-C.
Other names: c.4432A>G, p.Thr1478Ala (NM_001164507.2, NM_001271208.2, NM_004543.5); short protein forms T1478A.
Identifiers: ClinVar variation 845222 (VCV000845222.11), dbSNP rs2099279650, ClinGen allele CA348815615.

ClinVar aggregate classification (germline): Uncertain significance. Review status: criteria provided, single submitter (1 of 4 stars). 2 submissions from 2 submitters: Uncertain significance (1). 1 of the submissions does not count toward it. Last evaluated 2022-08-10.

Conditions:
Nemaline myopathy 2 (NEM2). Also called: Nemaline myopathy 2, autosomal recessive. Identifiers: MedGen C1850569, MONDO:0009725, OMIM 256030.

Allele frequency attached by ClinVar (database versions not stated): gnomAD exomes below 0.00001.
gnomAD v4.1: 2 of 1,614,012 alleles (0.00012%); highest among the groups gnomAD compares: African/African-American, 0.0013%; no homozygotes.

Submissions (2):

Labcorp Genetics (formerly Invitae), Labcorp
Classification: Uncertain significance for Nemaline myopathy 2. Last evaluated: 2022-08-10. Review status: criteria provided, single submitter. Criteria: Invitae Variant Classification Sherloc (09022015). Collection method: clinical testing. Allele origin: germline.
Comment: In summary, the available evidence is currently insufficient to determine the role of this variant in disease. Therefore, it has been classified as a Variant of Uncertain Significance. Algorithms developed to predict the effect of missense changes on protein structure and function are either unavailable or do not agree on the potential impact of this missense change (SIFT: "Deleterious"; PolyPhen-2: "Not Available"; Align-GVGD: "Class C0"). ClinVar contains an entry for this variant (Variation ID: 845222). This variant has not been reported in the literature in individuals affected with NEB-related conditions. This variant is not present in population databases (gnomAD no frequency). This sequence change replaces threonine, which is neutral and polar, with alanine, which is neutral and non-polar, at codon 1478 of the NEB protein (p.Thr1478Ala).

Natera, Inc.
Classification: Uncertain significance for Nemaline myopathy type 2. Last evaluated: 2020-08-13. Review status: no assertion criteria provided. Collection method: clinical testing. Allele origin: germline. Not counted in ClinVar's aggregate classification.